The following is an entry in ClinVar:

NM_000138.5(FBN1):c.2051G>T (p.Cys684Phe)

Gene: FBN1 (fibrillin 1; minus strand). Cytogenetic location: 15q21.1.
Variant type: single nucleotide variant.
Coding change: c.2051G>T on transcript NM_000138.5 (MANE Select); coding-DNA position 2051, G replaced by T.
Protein change: p.Cys684Phe; replaces cysteine 684 with phenylalanine.
Molecular consequence: missense variant.
Genome position (GRCh38, 1-based): chr15:48,503,849, C>A on the plus strand (G>T on the coding strand, the complement: FBN1 is on the minus strand). VCF-style: chr15-48503849-C-A. GRCh37 (hg19) VCF-style: chr15-48796046-C-A.
Other names: short protein forms C684F.
Identifiers: ClinVar variation 547301 (VCV000547301.8), dbSNP rs1555399763, ClinGen allele CA392338312.
Genomic context (GRCh38, chr15:48,503,849, plus strand): 5'-GAATTCTGTGCAGGACACGGCTGGCAAGGTTCCCCAAATGCATACTCAGTGCTGGCGCAA[C>A]AGCATTCAGATTTAGTGACAGCACCAAACAAAGGTTTGATACACTGGCCTCTCTTGTATC-3'
Protein context (NP_000129.3, residues 674-694): LFGAVTKSEC[Cys684Phe]CASTEYAFGE

ClinVar aggregate classification (germline): Pathogenic/Likely pathogenic. Review status: criteria provided, multiple submitters, no conflicts (2 of 4 stars). 2 submissions from 2 submitters: Pathogenic (1); Likely pathogenic (1). Last evaluated 2023-09-23.

Conditions:
Familial thoracic aortic aneurysm and aortic dissection (TAAD). Also called: Thoracic aortic aneurysms and dissections. Identifiers: Orphanet 91387, MedGen C4707243, MONDO:0019625.
Marfan syndrome (MFS). Also called: Marfan syndrome type 1; Marfan syndrome, classic; Marfan's syndrome; FBN1-Related Marfan Syndrome; MARFAN SYNDROME, TYPE I. Identifiers: Orphanet 284963, Orphanet 558, MedGen C0024796, MONDO:0007947, OMIM 154700.

Submissions (2):

Labcorp Genetics (formerly Invitae), Labcorp
Classification: Pathogenic for Marfan syndrome; Familial thoracic aortic aneurysm and aortic dissection. Last evaluated: 2023-09-23. Review status: criteria provided, single submitter. Criteria: Invitae Variant Classification Sherloc (09022015). Collection method: clinical testing. Allele origin: germline.
Comment: This sequence change replaces cysteine, which is neutral and slightly polar, with phenylalanine, which is neutral and non-polar, at codon 684 of the FBN1 protein (p.Cys684Phe). This variant is not present in population databases (gnomAD no frequency). This missense change has been observed in individual(s) with clinical features of Marfan syndrome (Invitae). ClinVar contains an entry for this variant (Variation ID: 547301). Advanced modeling of protein sequence and biophysical properties (such as structural, functional, and spatial information, amino acid conservation, physicochemical variation, residue mobility, and thermodynamic stability) performed at Invitae indicates that this missense variant is expected to disrupt FBN1 protein function. This variant disrupts the p.Cys684 amino acid residue in FBN1. Other variant(s) that disrupt this residue have been observed in individuals with FBN1-related conditions (PMID: 18435798, 19293843; Invitae), which suggests that this may be a clinically significant amino acid residue. For these reasons, this variant has been classified as Pathogenic. This variant affects a cysteine residue in the EGF-like, TGFBP or hybrid motif domains of FBN1. Cysteine residues are believed to be involved in intramolecular disulfide bridges and have been shown to be important for FBN1 protein structure (PMID: 16905551, 19349279). In addition, missense substitutions affecting cysteine residues within these domains are significantly overrepresented among patients with Marfan syndrome (PMID: 16571647, 17701892).

Center for Human Genetics, Inc
Classification: Likely pathogenic for Marfan syndrome. Last evaluated: 2016-11-01. Review status: criteria provided, single submitter. Criteria: ACMG Guidelines, 2015. Collection method: clinical testing. Allele origin: germline. Affected: yes.

Literature cited by the submitters: PubMed 18435798 (cited by Labcorp Genetics (formerly Invitae), Labcorp); PubMed 19293843 (cited by Labcorp Genetics (formerly Invitae), Labcorp); PubMed 16905551 (cited by Labcorp Genetics (formerly Invitae), Labcorp); PubMed 19349279 (cited by Labcorp Genetics (formerly Invitae), Labcorp); PubMed 16571647 (cited by Labcorp Genetics (formerly Invitae), Labcorp); PubMed 17701892 (cited by Labcorp Genetics (formerly Invitae), Labcorp).